The following is an entry in ClinVar:

ClinVar aggregate classification (germline): Uncertain significance. Review status: criteria provided, multiple submitters, no conflicts (2 of 4 stars). 2 submissions from 2 submitters: Uncertain significance (2). Last evaluated 2025-08-30.

Allele frequency attached by ClinVar (database versions not stated): TOPMed below 0.00001.

Submissions (2):

Labcorp Genetics (formerly Invitae), Labcorp
Classification: Uncertain significance. Last evaluated: 2025-08-30. Review status: criteria provided, single submitter. Criteria: Invitae Variant Classification Sherloc (09022015). Collection method: clinical testing. Allele origin: germline.
Comment: This sequence change replaces cysteine, which is neutral and slightly polar, with arginine, which is basic and polar, at codon 210 of the CREB3L3 protein (p.Cys210Arg). This variant is not present in population databases (gnomAD no frequency). This variant has not been reported in the literature in individuals affected with CREB3L3-related conditions. ClinVar contains an entry for this variant (Variation ID: 2986256). Invitae Evidence Modeling of protein sequence and biophysical properties (such as structural, functional, and spatial information, amino acid conservation, physicochemical variation, residue mobility, and thermodynamic stability) indicates that this missense variant is not expected to disrupt CREB3L3 protein function with a negative predictive value of 80%. In summary, the available evidence is currently insufficient to determine the role of this variant in disease. Therefore, it has been classified as a Variant of Uncertain Significance.

Ambry Genetics
Classification: Uncertain significance. Last evaluated: 2025-06-18. Review status: criteria provided, single submitter. Criteria: Ambry Variant Classification Scheme 2023. Collection method: clinical testing. Allele origin: germline.

NM_032607.3(CREB3L3):c.628T>C (p.Cys210Arg)

Gene: CREB3L3 (cAMP responsive element binding protein 3 like 3; plus strand). Cytogenetic location: 19p13.3.
Variant type: single nucleotide variant.
Coding change: c.628T>C on transcript NM_032607.3 (MANE Select); coding-DNA position 628, T replaced by C.
Protein change: p.Cys210Arg; replaces cysteine 210 with arginine.
Molecular consequence: missense variant.
Genome position (GRCh38, 1-based): chr19:4,164,554, T>C. VCF-style: chr19-4164554-T-C. GRCh37 (hg19) VCF-style: chr19-4164551-T-C.
Other names: c.628T>C (NM_032607.1); c.625T>C, p.Cys209Arg (NM_001271995.2); c.622T>C, p.Cys208Arg (NM_001271996.2); c.628T>C, p.Cys210Arg (NM_001271997.2); short protein forms C209R, C208R, C210R.
Identifiers: ClinVar variation 2986256 (VCV002986256.4), dbSNP rs990929562, ClinGen allele CA304464197.